The following is an entry in ClinVar:

ClinVar aggregate classification (germline): Pathogenic (1 of 4 stars; one submission).

Conditions:
Autosomal recessive limb-girdle muscular dystrophy type 2A (LGMDR1). Also called: LEYDEN-MOEBIUS MUSCULAR DYSTROPHY; MUSCULAR DYSTROPHY, PELVOFEMORAL; Limb-girdle muscular dystrophy, type 2A; Calpainopathy; Muscular dystrophy, limb-girdle, type 2A, Amish. Identifiers: Orphanet 267, MedGen C1869123, MONDO:0009675, OMIM 253600. Disease mechanism: loss of function.

Submission:

Labcorp Genetics (formerly Invitae), Labcorp
Classification: Pathogenic for Autosomal recessive limb-girdle muscular dystrophy type 2A. Last evaluated: 2023-10-22. Review status: criteria provided, single submitter. Criteria: Invitae Variant Classification Sherloc (09022015). Collection method: clinical testing. Allele origin: germline.
Comment: This sequence change creates a premature translational stop signal (p.Asn752Lysfs*13) in the CAPN3 gene. It is expected to result in an absent or disrupted protein product. Loss-of-function variants in CAPN3 are known to be pathogenic (PMID: 10330340, 15689361). This variant is not present in population databases (gnomAD no frequency). This variant has not been reported in the literature in individuals affected with CAPN3-related conditions. For these reasons, this variant has been classified as Pathogenic.

Literature cited by the submitters: PubMed 10330340; PubMed 15689361.

NM_000070.3(CAPN3):c.2255dup (p.Asn752fs)

Gene: CAPN3 (calpain 3; plus strand). Cytogenetic location: 15q15.1.
Variant type: Duplication.
Coding change: c.2255dup on transcript NM_000070.3 (MANE Select); coding-DNA position 2255, one base duplicated (A; older notation c.2255dupA).
Protein change: p.Asn752fs; shifts the reading frame from asparagine 752.
Molecular consequence: frameshift variant.
Genome position (GRCh38, 1-based): chr15:42,410,658, A duplicated; the last of 2 consecutive A bases (chr15:42,410,657-42,410,658); duplicating either gives the same sequence. VCF-style (leftmost placement, unchanged base first): chr15-42410656-C-CA. GRCh37 (hg19) VCF-style: chr15-42702854-C-CA.
Other names: c.2237dup, p.Asn746fs (NM_024344.2); c.1979dup, p.Asn660fs (NM_173087.2); c.719dup, p.Asn240fs (NM_173088.2); c.260dup, p.Asn87fs (NM_173089.2, NM_173090.2); c.*1353dup (NM_212464.2); c.*1930dup (NM_212467.2); short protein forms N87fs, N660fs, N746fs, N752fs, N240fs.
Identifiers: ClinVar variation 2770804 (VCV002770804.3), dbSNP rs2548293381, ClinGen allele CA2697554371.
Genomic context (GRCh38, chr15:42,410,656, plus strand): 5'-CAAACACTATGACACAGACCAGTCCGGCACCATCAACAGCTACGAGATGCGAAATGCAGT[C>CA]AACGACGCAGGTGCTGAGAAGGAAGGGGTGGCAGGGATGTGGACCCGAGACGGTGGGAGC-3'